The following is an entry in ClinVar:

NM_000257.4(MYH7):c.1014G>T (p.Val338=)

Gene: MYH7 (myosin heavy chain 7; minus strand). Cytogenetic location: 14q11.2.
Variant type: single nucleotide variant.
Coding change: c.1014G>T on transcript NM_000257.4 (MANE Select); coding-DNA position 1014, G replaced by T.
Protein change: p.Val338=; no amino-acid change (valine 338 retained).
Molecular consequence: synonymous variant.
Genome position (GRCh38, 1-based): chr14:23,429,899, C>A on the plus strand (G>T on the coding strand, the complement: MYH7 is on the minus strand). VCF-style: chr14-23429899-C-A. GRCh37 (hg19) VCF-style: chr14-23899108-C-A.
Other names: c.1014G>T, p.Val338= (NM_001407004.1).
Identifiers: ClinVar variation 1740313 (VCV001740313.2), dbSNP rs942430711, ClinGen allele CA257824994.

ClinVar aggregate classification (germline): Uncertain significance (1 of 4 stars; one submission).

Conditions:
Cardiovascular phenotype. Identifiers: MedGen CN230736.

Allele frequency attached by ClinVar (database versions not stated): TOPMed below 0.00001.
gnomAD v4.1: 1 of 1,614,040 alleles (0.000062%); highest among the groups gnomAD compares: Non-Finnish European, 0.000085%; no homozygotes.

Submission:

Ambry Genetics
Classification: Uncertain significance for Cardiovascular phenotype. Last evaluated: 2020-11-13. Review status: criteria provided, single submitter. Criteria: Ambry Variant Classification Scheme 2023. Collection method: clinical testing. Allele origin: germline.
Comment: The c.1014G>T variant (also known as p.V338V), located in coding exon 10 of the MYH7 gene, results from a G to T substitution at nucleotide position 1014. This nucleotide substitution does not change the valine at codon 338. This nucleotide position is not well conserved in available vertebrate species. In silico splice site analysis for this alteration is inconclusive. Since supporting evidence is limited at this time, the clinical significance of this alteration remains unclear.